The following is an entry in ClinVar:

NM_000284.4(PDHA1):c.225G>T (p.Glu75Asp)

Gene: PDHA1 (pyruvate dehydrogenase E1 subunit alpha 1; plus strand). Cytogenetic location: Xp22.12.
Variant type: single nucleotide variant.
Coding change: c.225G>T on transcript NM_000284.4 (MANE Select); coding-DNA position 225, G replaced by T.
Protein change: p.Glu75Asp; replaces glutamic acid 75 with aspartic acid.
Molecular consequence: missense variant.
Genome position (GRCh38, 1-based): chrX:19,350,044, G>T. VCF-style: chrX-19350044-G-T. GRCh37 (hg19) VCF-style: chrX-19368162-G-T.
Other names: c.339G>T, p.Glu113Asp (NM_001173454.2); c.225G>T, p.Glu75Asp (NM_001173455.2, NM_001173456.2); short protein forms E75D, E113D.
Identifiers: ClinVar variation 627558 (VCV000627558.3), dbSNP rs1569190079, ClinGen allele CA412390333.

ClinVar aggregate classification (germline): Pathogenic. Review status: criteria provided, single submitter (1 of 4 stars). 2 submissions from 2 submitters: Pathogenic (1). 1 of the submissions does not count toward it. Last evaluated 2018-11-28.

Conditions:
Pyruvate dehydrogenase complex deficiency (PDHC). Also called: Pyruvate Dehydrogenase Complex Deficiency Disease; Pyruvate dehydrogenase deficiency; Ataxia with lactic acidosis 1; PYRUVATE DECARBOXYLASE DEFICIENCY; PDH DEFICIENCY. Identifiers: Orphanet 765, Orphanet 79243, MedGen C0034345, MONDO:0019169.
Pyruvate dehydrogenase E1-alpha deficiency (PDHAD). Also called: ATAXIA, INTERMITTENT, WITH PYRUVATE DEHYDROGENASE DEFICIENCY; ATAXIA WITH LACTIC ACIDOSIS I; ATAXIA, INTERMITTENT, WITH ABNORMAL PYRUVATE METABOLISM; Ataxia, intermittent, with pyruvate dehydrogenase, or decarboxylase, deficiency. Identifiers: Orphanet 79243, MedGen C1839413, MONDO:0010717, OMIM 312170.

Submissions (2):

Center for Human Genetics Laboratory, University Hospitals - University Hospitals Laboratory Service Foundation
Classification: Pathogenic for Pyruvate dehydrogenase complex deficiency. Last evaluated: 2018-11-28. Review status: criteria provided, single submitter. Criteria: ACMG Guidelines, 2015. Collection method: clinical testing. Allele origin: de novo. Inheritance: X-linked dominant inheritance. Affected: yes. Observed: 1 heterozygote.
Comment: Functional Studies: Activity of the pyruvate dehydrogenase complex (PDC) in patient's cultured skin fibroblasts was below the reference range of concurrent and prior controls, corresponding to 15% of the control mean. Activity of dihydrolipoamide dehydrogenase (the E3 component of PDC and another mitochondrial reference enzyme) was within the reference range (135% of prior control mean). The ratio of PDC/E3 was below the reference range (12% of the control mean). Protein yield was at the low end of the reference range. These results were consistent with PDC deficiency. Summary of ACMG/AMP VUS Evidence: PM2: Absent from controls: Variant not found in gnomAD database. PP3: Multiple lines of computational evidence support a deleterious effect on the gene or gene product: In-silico predictor results are summarized here: 1)SIFT, PROVEAN, LRT, MetaLR, MetaSVM, FATHMM: Deleterious. 2)Mutation Assessor: Medium Impact. 3)MutationTaster: Disease Causing. 4)PolyPhen-2 HDIV & HVAR: Probably damaging. 5)REVEL ensemble pathogenicity score: 0.853 [Sensitivity 0.38, Specificity 0.98] PM5: Novel missense change at the same amino acid residue where a different missense change determined to be pathogenic has been seen before: An adult patient with PDC deficiency and peripheral neuropathy with a different mutation at the same amino acid (p.E75A) was shown to also have decreased activity in cultured fibroblasts, and patient was reported to be partially responsive to thiamine supplementation clinically and also in vitro by using cultured fibroblasts. (PMID: 18559466) PS3: Well-established functional studies show a deleterious effect: Patient's PDC assay results are reported as "Patient #80" in supplementary table 1 of published sensitivity and variability in various PDC enzyme assays from the Center for Inherited Disorders of Energy Metabolism (CIDEM) (PMID: 28918066) PS2: De novo (paternity and maternity confirmed): Both parents confirmed to be negative for this PDHA1 variant. In summary, the PDHA1:c.225G>T meets ACMG/AMP criteria to be classified as pathogenic, based on absence from controls, computational and predictive data, functional and de novo evidence. (PP3, PM5, PS3, PS2)

PDHA1 Study Group, University Children’s Hospital, Paracelsus Medical University
Classification: Likely pathogenic for Pyruvate dehydrogenase E1-alpha deficiency. Last evaluated: 2024-10-15. Review status: no assertion criteria provided. Collection method: research. Allele origin: germline. Affected: yes. Observed: 1 variant allele. Not counted in ClinVar's aggregate classification.
Comment: The NM_000284.3:c.225G>T (p.Glu75Asp) substitution is a missense variant in PDHA1 gene. The variant has been reported in 1 published case (PMIDs: 28918066). Last literature search: July 12, 2024. This variant is absent or extremely rare in population-based cohorts in the Genome Aggregation Database (gnomAD). Individuals harboring this variant presented with clinical features compatible with PDHA1-related PDHc deficiency. In summary, this variant meets criteria to be classified as likely pathogenic (LP) for PDHA1-related PDHc deficiency based on the ACMG/AMP criteria applied: PM1, PM2, PM5, PM7, PP3 (last assessment October 15, 2024).

Literature cited by the submitters: PubMed 28918066 (cited by PDHA1 Study Group, University Children’s Hospital, Paracelsus Medical University); DOI 10.1093/brain/awaf430 (cited by PDHA1 Study Group, University Children’s Hospital, Paracelsus Medical University).